The following is an entry in ClinVar:

NC_000020.10:g.(?_18522920)_(18523066_?)del

Gene: SEC23B (SEC23 homolog B, COPII component; plus strand). Cytogenetic location: 20p11.23.
Variant type: Deletion.
Identifiers: ClinVar variation 3248266 (VCV003248266.1).

ClinVar aggregate classification (germline): Pathogenic (1 of 4 stars; one submission).

Conditions:
Congenital dyserythropoietic anemia, type II (CDAN2). Also called: DYSERYTHROPOIETIC ANEMIA, HEMPAS TYPE. Identifiers: Orphanet 98873, MedGen C1306589, MONDO:0009134, OMIM 224100.
Cowden syndrome 7 (CWS7). Identifiers: Orphanet 201, MedGen C4225179, MONDO:0014802, OMIM 616858.

Submission:

Labcorp Genetics (formerly Invitae), Labcorp
Classification: Pathogenic for Congenital dyserythropoietic anemia, type II; Cowden syndrome 7. Last evaluated: 2023-09-06. Review status: criteria provided, single submitter. Criteria: Invitae Variant Classification Sherloc (09022015). Collection method: clinical testing. Allele origin: unknown.
Comment: For these reasons, this variant has been classified as Pathogenic. This variant has not been reported in the literature in individuals affected with SEC23B-related conditions. This variant is a gross deletion of the genomic region encompassing exon(s) 13 of the SEC23B gene. This deletion is out-of-frame, and is expected to create a premature termination codon and result in an absent or disrupted protein product. Loss-of-function variants in SEC23B are known to be pathogenic (PMID: 19561605, 25044164).

Literature cited by the submitters: PubMed 19561605; PubMed 25044164.